The following is an entry in ClinVar:

ClinVar aggregate classification (germline): Benign/Likely benign. Review status: criteria provided, multiple submitters, no conflicts (2 of 4 stars). 2 submissions from 2 submitters: Benign (1); Likely benign (1). Last evaluated 2022-04-01.

Allele frequency attached by ClinVar (database versions not stated): 1000 Genomes Project 0.00120; 1000 Genomes Project 30x 0.00156; ExAC 0.00318; gnomAD exomes 0.00321 and 0.00618; gnomAD 0.00371 and 0.00391; TOPMed 0.00387; ESP Exome Variant Server 0.00607.
gnomAD v4.1: 9,553 of 1,609,836 alleles (0.59%); highest among the groups gnomAD compares: Non-Finnish European, 0.75%; 39 homozygotes.

Submissions (2):

CeGaT Center for Human Genetics Tuebingen
Classification: Likely benign. Last evaluated: 2022-04-01. Review status: criteria provided, single submitter. Criteria: CeGaT Center For Human Genetics Tuebingen Variant Classification Criteria Version 2. Collection method: clinical testing. Allele origin: germline. Affected: yes. Observed: 1 variant allele.
Comment: MAML1: BP4, BP7

Labcorp Genetics (formerly Invitae), Labcorp
Classification: Benign. Last evaluated: 2018-04-10. Review status: criteria provided, single submitter. Criteria: Invitae Variant Classification Sherloc (09022015). Collection method: clinical testing. Allele origin: germline.

NM_014757.5(MAML1):c.1374C>T (p.Asp458=)

Gene: MAML1 (mastermind like transcriptional coactivator 1; plus strand). Cytogenetic location: 5q35.3.
Variant type: single nucleotide variant.
Coding change: c.1374C>T on transcript NM_014757.5 (MANE Select); coding-DNA position 1374, C replaced by T.
Protein change: p.Asp458=; no amino-acid change (aspartic acid 458 retained).
Molecular consequence: synonymous variant.
Genome position (GRCh38, 1-based): chr5:179,766,384, C>T. VCF-style: chr5-179766384-C-T. GRCh37 (hg19) VCF-style: chr5-179193385-C-T.
Identifiers: ClinVar variation 719905 (VCV000719905.27), dbSNP rs61748799, ClinGen allele CA3599003.